The following is an entry in ClinVar:

ClinVar aggregate classification (germline): Likely benign (0 of 4 stars; one submission).

Conditions:
MUC16-related disorder. Also called: MUC16-related condition.

Submission:

PreventionGenetics, part of Exact Sciences
Classification: Likely benign for MUC16-related condition. Last evaluated: 2021-05-19. Review status: no assertion criteria provided. Collection method: clinical testing. Allele origin: germline.
Comment: This variant is classified as likely benign based on ACMG/AMP sequence variant interpretation guidelines (Richards et al. 2015 PMID: 25741868, with internal and published modifications).

NM_001401501.2(MUC16):c.12549G>A (p.Glu4183=)

Gene: MUC16 (mucin 16, cell surface associated; minus strand). Cytogenetic location: 19p13.2.
Variant type: single nucleotide variant.
Coding change: c.12549G>A on transcript NM_001401501.2 (MANE Select); coding-DNA position 12549, G replaced by A.
Protein change: p.Glu4183=; no amino-acid change (glutamic acid 4183 retained).
Molecular consequence: synonymous variant.
Genome position (GRCh38, 1-based): chr19:8,964,341, C>T on the plus strand (G>A on the coding strand, the complement: MUC16 is on the minus strand). VCF-style: chr19-8964341-C-T. GRCh37 (hg19) VCF-style: chr19-9075017-C-T.
Other names: c.12975G>A, p.Glu4325= (NM_001414686.1); c.12429G>A, p.Glu4143= (NM_001414687.1, NM_024690.2).
Identifiers: ClinVar variation 3061625 (VCV003061625.2), dbSNP rs776243783, ClinGen allele CA505449565.